The following is an entry in ClinVar:

ClinVar aggregate classification (germline): Likely benign (1 of 4 stars; one submission).

Allele frequency attached by ClinVar (database versions not stated): gnomAD 0.00001; gnomAD exomes below 0.00001; TOPMed below 0.00001.
gnomAD v4.1: 2 of 1,600,772 alleles (0.00012%); highest among the groups gnomAD compares: African/African-American, 0.0027%; no homozygotes.

Submission:

GeneDx
Classification: Likely benign. Last evaluated: 2016-05-06. Review status: criteria provided, single submitter. Criteria: GeneDx Variant Classification (06012015). Collection method: clinical testing. Allele origin: germline. Affected: yes.
Comment: This variant is considered likely benign or benign based on one or more of the following criteria: it is a conservative change, it occurs at a poorly conserved position in the protein, it is predicted to be benign by multiple in silico algorithms, and/or has population frequency not consistent with disease.

NM_000393.5(COL5A2):c.3472-16T>C

Gene: COL5A2 (collagen type V alpha 2 chain; minus strand). Cytogenetic location: 2q32.2.
Variant type: single nucleotide variant.
Coding change: c.3472-16T>C on transcript NM_000393.5 (MANE Select); 16 bases into the intron before coding-DNA position 3472, T replaced by C.
Molecular consequence: intron variant.
Genome position (GRCh38, 1-based): chr2:189,042,789, A>G on the plus strand (T>C on the coding strand, the complement: COL5A2 is on the minus strand). VCF-style: chr2-189042789-A-G. GRCh37 (hg19) VCF-style: chr2-189907515-A-G.
Identifiers: ClinVar variation 386039 (VCV000386039.1), dbSNP rs1057522404, ClinGen allele CA16603977.
Genomic context (GRCh38, chr2:189,042,789, plus strand): 5'-AAATGGTCCAGGGATTCCAGCACTTCCTTGTTCACCATTTGGACCCTAAGTAGGAATACA[A>G]TAAAAAATGTTGCCAAAATATTTGGATCCTGCATTGTGCCATTCTCAAAAATGTGCTATC-3'